The following is an entry in ClinVar:

NM_016239.4(MYO15A):c.269T>C (p.Met90Thr)

Gene: MYO15A (myosin XVA; plus strand). Cytogenetic location: 17p11.2.
Variant type: single nucleotide variant.
Coding change: c.269T>C on transcript NM_016239.4 (MANE Select); coding-DNA position 269, T replaced by C.
Protein change: p.Met90Thr; replaces methionine 90 with threonine.
Molecular consequence: missense variant.
Genome position (GRCh38, 1-based): chr17:18,119,069, T>C. VCF-style: chr17-18119069-T-C. GRCh37 (hg19) VCF-style: chr17-18022383-T-C.
Other names: short protein forms M90T.
Identifiers: ClinVar variation 228945 (VCV000228945.20), dbSNP rs373294263, ClinGen allele CA8422797.

ClinVar aggregate classification (germline): Conflicting classifications of pathogenicity. Review status: criteria provided, conflicting classifications (1 of 4 stars). 5 submissions from 5 submitters: Uncertain significance (3); Likely benign (2). Last evaluated 2025-12-11.

Conditions:
MYO15A-related disorder. Also called: MYO15A-related condition.
Inborn genetic diseases. Identifiers: MedGen C0950123, MeSH D030342.

Allele frequency attached by ClinVar (database versions not stated): gnomAD exomes 0.00006 and 0.00016; ExAC 0.00018; ESP Exome Variant Server 0.00057; gnomAD 0.00067 and 0.00076; 1000 Genomes Project 0.00080; TOPMed 0.00082; 1000 Genomes Project 30x 0.00141.
gnomAD v4.1: 190 of 1,612,230 alleles (0.012%); highest among the groups gnomAD compares: African/African-American, 0.22%; no homozygotes.

Submissions (5):

Labcorp Genetics (formerly Invitae), Labcorp
Classification: Likely benign. Last evaluated: 2025-12-11. Review status: criteria provided, single submitter. Criteria: Invitae Variant Classification Sherloc (09022015). Collection method: clinical testing. Allele origin: germline.

Ambry Genetics
Classification: Uncertain significance for Inborn genetic diseases. Last evaluated: 2025-06-24. Review status: criteria provided, single submitter. Criteria: Ambry Variant Classification Scheme 2023. Collection method: clinical testing. Allele origin: germline.

PreventionGenetics, part of Exact Sciences
Classification: Likely benign for MYO15A-related condition. Last evaluated: 2025-01-23. Review status: criteria provided, single submitter. Criteria: ACMG Guidelines, 2015. Collection method: clinical testing. Allele origin: germline.
Comment: This variant is classified as likely benign based on ACMG/AMP sequence variant interpretation guidelines (Richards et al. 2015 PMID: 25741868, with internal and published modifications).

Eurofins Ntd Llc (ga)
Classification: Uncertain significance. Last evaluated: 2017-05-22. Review status: criteria provided, single submitter. Criteria: EGL Classification Definitions 2015. Collection method: clinical testing. Allele origin: germline. Observed: 1 variant allele, 1 heterozygote.

Laboratory for Molecular Medicine, Mass General Brigham Personalized Medicine
Classification: Uncertain significance. Last evaluated: 2015-05-15. Review status: criteria provided, single submitter. Criteria: LMM Criteria. Collection method: clinical testing. Allele origin: germline. Observed: 1 variant allele.
Comment: Variant classified as Uncertain Significance - Favor Benign. The p.Met90Thr vari ant in MYO15A has not been previously reported in individuals with hearing loss, but it has been identified in 0.2% (17/7746) of African chromosomes by the Exom e Aggregation Consortium (ExAC; dbSNP rs37329426 3). Although this variant has been seen in the general population, its frequency is not high enough to rule out a pathogenic role. Computational prediction tool s and conservation analyses suggest that the variant may not impact the protein; however, this data is not sufficient to rule out pathogenicity. In summary, whi le the clinical significance of the p.Met90Thr variant is uncertain, its frequen cy in the general population suggests that it is more likely to be benign.